The following is an entry in ClinVar:

ClinVar aggregate classification (germline): Uncertain significance. Review status: criteria provided, multiple submitters, no conflicts (2 of 4 stars). 10 submissions from 10 submitters: Uncertain significance (10). Last evaluated 2025-08-08.

Conditions:
Aortic aneurysm, familial thoracic 4 (AAT4). Also called: AORTIC ANEURYSM/AORTIC DISSECTION AND PATENT DUCTUS ARTERIOSUS. Identifiers: MedGen C1851504, MONDO:0007568, OMIM 132900.
Visceral myopathy 2. Identifiers: MedGen C5543466, MONDO:0859157, OMIM 619350.
Megacystis-microcolon-intestinal hypoperistalsis syndrome 2. Identifiers: MedGen C5543476, MONDO:0025708, OMIM 619351.
Familial thoracic aortic aneurysm and aortic dissection (TAAD). Also called: Thoracic aortic aneurysms and dissections. Identifiers: Orphanet 91387, MedGen C4707243, MONDO:0019625.
MYH11-related disorder. Also called: MYH11-related condition.

Allele frequency attached by ClinVar (database versions not stated): TOPMed 0.00006.
gnomAD v4.1: 132 of 1,611,880 alleles (0.0082%); highest among the groups gnomAD compares: Non-Finnish European, 0.011%; no homozygotes.

Submissions (10):

Mayo Clinic Laboratories, Mayo Clinic
Classification: Uncertain significance. Last evaluated: 2025-08-08. Review status: criteria provided, single submitter. Criteria: ACMG Guidelines, 2015. Collection method: clinical testing. Allele origin: germline. Observed: 1 variant allele.
Comment: BP4_moderate

GeneDx
Classification: Uncertain significance. Last evaluated: 2025-04-14. Review status: criteria provided, single submitter. Criteria: GeneDx Variant Classification Process June 2021. Collection method: clinical testing. Allele origin: germline. Affected: yes.
Comment: In silico analysis indicates that this missense variant does not alter protein structure/function; Has not been previously published as pathogenic or benign to our knowledge

Ambry Genetics
Classification: Uncertain significance for Familial thoracic aortic aneurysm and aortic dissection. Last evaluated: 2025-03-03. Review status: criteria provided, single submitter. Criteria: Ambry Variant Classification Scheme 2023. Collection method: clinical testing. Allele origin: germline.
Comment: The p.T1779K variant (also known as c.5336C>A), located in coding exon 37 of the MYH11 gene, results from a C to A substitution at nucleotide position 5336. The threonine at codon 1779 is replaced by lysine, an amino acid with similar properties. This amino acid position is poorly conserved in available vertebrate species. In addition, this alteration is predicted to be tolerated by in silico analysis. Since supporting evidence is limited at this time, the clinical significance of this alteration remains unclear.

PreventionGenetics, part of Exact Sciences
Classification: Uncertain significance for MYH11-related condition. Last evaluated: 2025-02-10. Review status: criteria provided, single submitter. Criteria: ACMG Guidelines, 2015. Collection method: clinical testing. Allele origin: germline.
Comment: The MYH11 c.5357C>A variant is predicted to result in the amino acid substitution p.Thr1786Lys. To our knowledge, this variant has not been reported in the literature. This variant is reported in 0.0078% of alleles in individuals of European (Non-Finnish) descent in gnomAD. At this time, the clinical significance of this variant is uncertain due to the absence of conclusive functional and genetic evidence.

Labcorp Genetics (formerly Invitae), Labcorp
Classification: Uncertain significance for Aortic aneurysm, familial thoracic 4. Last evaluated: 2025-01-14. Review status: criteria provided, single submitter. Criteria: Invitae Variant Classification Sherloc (09022015). Collection method: clinical testing. Allele origin: germline.
Comment: This sequence change replaces threonine, which is neutral and polar, with lysine, which is basic and polar, at codon 1786 of the MYH11 protein (p.Thr1786Lys). This variant is present in population databases (rs201960644, gnomAD 0.008%). This missense change has been observed in individuals with thoracic aortic aneurysm and dissection (internal data). ClinVar contains an entry for this variant (Variation ID: 405472). Invitae Evidence Modeling of protein sequence and biophysical properties (such as structural, functional, and spatial information, amino acid conservation, physicochemical variation, residue mobility, and thermodynamic stability) indicates that this missense variant is not expected to disrupt MYH11 protein function with a negative predictive value of 95%. In summary, the available evidence is currently insufficient to determine the role of this variant in disease. Therefore, it has been classified as a Variant of Uncertain Significance.

Color Diagnostics, LLC DBA Color Health
Classification: Uncertain significance for Familial thoracic aortic aneurysm and aortic dissection. Last evaluated: 2024-04-11. Review status: criteria provided, single submitter. Criteria: ACMG Guidelines, 2015. Collection method: clinical testing. Allele origin: germline.
Comment: This missense variant replaces threonine with lysine at codon 1786 of the MYH11 protein. Computational prediction suggests that this variant may not impact protein structure and function. To our knowledge, functional studies have not been reported for this variant. This variant has not been reported in individuals affected with cardiovascular disorders in the literature. This variant has been identified in 11/280590 chromosomes in the general population by the Genome Aggregation Database (gnomAD). The available evidence is insufficient to determine the role of this variant in disease conclusively. Therefore, this variant is classified as a Variant of Uncertain Significance.

CeGaT Center for Human Genetics Tuebingen
Classification: Uncertain significance. Last evaluated: 2023-01-01. Review status: criteria provided, single submitter. Criteria: CeGaT Center For Human Genetics Tuebingen Variant Classification Criteria Version 2. Collection method: clinical testing. Allele origin: germline. Affected: yes. Observed: 1 variant allele.

Fulgent Genetics
Classification: Uncertain significance for Aortic aneurysm, familial thoracic 4; Visceral myopathy 2; Megacystis-microcolon-intestinal hypoperistalsis syndrome 2. Last evaluated: 2021-07-26. Review status: criteria provided, single submitter. Criteria: ACMG Guidelines, 2015. Collection method: clinical testing. Allele origin: unknown.

Blueprint Genetics
Classification: Uncertain significance. Last evaluated: 2019-12-03. Review status: criteria provided, single submitter. Criteria: ACMG Guidelines, 2015. Collection method: clinical testing. Allele origin: germline.

ARUP Laboratories, Molecular Genetics and Genomics, ARUP Laboratories
Classification: Uncertain significance. Last evaluated: 2016-10-17. Review status: criteria provided, single submitter. Criteria: ARUP Molecular Germline Variant Investigation Process. Collection method: clinical testing. Allele origin: germline.

NM_002474.3(MYH11):c.5336C>A (p.Thr1779Lys)

Genes: MYH11 (myosin heavy chain 11; minus strand), NDE1 (nudE neurodevelopment protein 1; plus strand). Cytogenetic location: 16p13.11.
Variant type: single nucleotide variant.
Coding change: c.5336C>A on transcript NM_002474.3 (MANE Select); coding-DNA position 5336, C replaced by A.
Protein change: p.Thr1779Lys; replaces threonine 1779 with lysine.
Molecular consequence: missense variant. On other transcripts: intron variant (2).
Genome position (GRCh38, 1-based): chr16:15,717,308, G>T on the plus strand (C>A on the coding strand, the complement: MYH11 is on the minus strand). VCF-style: chr16-15717308-G-T. GRCh37 (hg19) VCF-style: chr16-15811165-G-T.
Other names: p.Thr1786Lys; c.5357C>A, p.Thr1786Lys (NM_001040113.2, NM_001040114.2); c.5336C>A, p.Thr1779Lys (NM_022844.3); c.948-6883G>T (NM_001143979.2, NM_017668.3); short protein forms T1786K, T1779K.
Identifiers: ClinVar variation 405472 (VCV000405472.55), dbSNP rs201960644, ClinGen allele CA7921300.